The following is an entry in ClinVar:

ClinVar aggregate classification (germline): Conflicting classifications of pathogenicity. Review status: criteria provided, conflicting classifications (1 of 4 stars). 6 submissions from 6 submitters: Uncertain significance (4); Likely benign (2). Last evaluated 2026-07-15.

Conditions:
Hypertrophic cardiomyopathy 26. Also called: Cardiomyopathy, familial hypertrophic, 26. Identifiers: Orphanet 75249, MedGen C4310749, MONDO:0014883, OMIM 617047.
Distal myopathy with posterior leg and anterior hand involvement. Also called: WILLIAMS DISTAL MYOPATHY. Identifiers: Orphanet 63273, MedGen C3279722, MONDO:0013550, OMIM 614065.
Myofibrillar myopathy 5. Also called: Filaminopathy (type); FILAMINOPATHY, AUTOSOMAL DOMINANT. Identifiers: Orphanet 171445, MedGen C1836050, MONDO:0012289, OMIM 609524.
FLNC-related disorder. Also called: FLNC-related condition; FLNC-related disorders.
Cardiovascular phenotype. Identifiers: MedGen CN230736.

Allele frequency attached by ClinVar (database versions not stated): ExAC 0.00002; gnomAD 0.00003; TOPMed 0.00003; gnomAD exomes 0.00004.
gnomAD v4.1: 20 of 1,613,910 alleles (0.0012%); highest among the groups gnomAD compares: African/African-American, 0.004%; no homozygotes.

Submissions (6):

PreventionGenetics, part of Exact Sciences
Classification: Uncertain significance for FLNC-related condition. Last evaluated: 2026-07-15. Review status: criteria provided, single submitter. Criteria: ACMG Guidelines, 2015. Collection method: clinical testing. Allele origin: germline.
Comment: The FLNC c.7123G>A variant is predicted to result in the amino acid substitution p.Val2375Ile. This variant has been reported in an individual with myofibrillar myopathy and lower motor neuron syndrome (Chen et al. 2019. PubMed ID: 31421687). This variant is reported in 0.0099% of alleles in individuals of Ashkenazi Jewish descent in gnomAD. At this time, the clinical significance of this variant is uncertain due to the absence of conclusive functional and genetic evidence.

Labcorp Genetics (formerly Invitae), Labcorp
Classification: Likely benign for Distal myopathy with posterior leg and anterior hand involvement; Myofibrillar myopathy 5; Hypertrophic cardiomyopathy 26. Last evaluated: 2025-12-14. Review status: criteria provided, single submitter. Criteria: Invitae Variant Classification Sherloc (09022015). Collection method: clinical testing. Allele origin: germline.

Women's Health and Genetics/Laboratory Corporation of America, LabCorp
Classification: Likely benign. Last evaluated: 2024-11-04. Review status: criteria provided, single submitter. Criteria: LabCorp Variant Classification Summary - May 2015. Collection method: clinical testing. Allele origin: germline.
Comment: Variant summary: FLNC c.7123G>A (p.Val2375Ile) results in a conservative amino acid change located in the Filamin/ABP280 repeat profile (IPR017868) of the encoded protein sequence. Four of five in-silico tools predict a damaging effect of the variant on protein function. The variant allele was found at a frequency of 4e-05 in 249434 control chromosomes. The observed variant frequency is approximately 4 fold of the estimated maximal expected allele frequency for a pathogenic variant in FLNC causing Cardiomyopathy phenotype (1.1e-05). c.7123G>A has been reported in the literature in individuals affected with Cardiomyopathy (Chen_2019). These data do not allow any conclusion about variant significance. To our knowledge, no experimental evidence demonstrating an impact on protein function has been reported. The following publication have been ascertained in the context of this evaluation (PMID: 31421687). ClinVar contains an entry for this variant (Variation ID: 571045). Based on the evidence outlined above, the variant was classified as likely benign.

Ambry Genetics
Classification: Uncertain significance for Cardiovascular phenotype. Last evaluated: 2022-04-29. Review status: criteria provided, single submitter. Criteria: Ambry Variant Classification Scheme 2023. Collection method: clinical testing. Allele origin: germline.
Comment: The p.V2375I variant (also known as c.7123G>A), located in coding exon 42 of the FLNC gene, results from a G to A substitution at nucleotide position 7123. The valine at codon 2375 is replaced by isoleucine, an amino acid with highly similar properties. This alteration has been reported in an individual with features of myofibrillar myopathy (Chen J et al. BMC Neurol, 2019 Aug;19:198). An alternate amino acid substitution at this codon, p.V2375F, was reported in one individual with hypertrophic cardiomyopathy; however clinical details were limited (G&oacute;mez J et al. Circ Cardiovasc Genet, 2017 Apr;10:[Epub ahead of print]). This amino acid position is highly conserved in available vertebrate species. In addition, the in silico prediction for this alteration is inconclusive. Since supporting evidence is limited at this time, the clinical significance of this alteration remains unclear.

Revvity Omics, Revvity
Classification: Uncertain significance. Last evaluated: 2021-11-10. Review status: criteria provided, single submitter. Criteria: ACMG Guidelines, 2015. Collection method: clinical testing. Allele origin: germline.

GeneDx
Classification: Uncertain significance. Last evaluated: 2019-09-10. Review status: criteria provided, single submitter. Criteria: GeneDx Variant Classification Process June 2021. Collection method: clinical testing. Allele origin: germline. Affected: yes.
Comment: Reported in an adult patient with myofibrillar myopathy (MFM) and lower motor neuron (LMN) syndrome (Chen et al., 2019); Reported in ClinVar as a variant of uncertain significance (ClinVar Variant ID# 571045; Landrum et al., 2016); In silico analysis, which includes protein predictors and evolutionary conservation, supports that this variant does not alter protein structure/function; This variant is associated with the following publications: (PMID: 31421687)

Literature cited by the submitters: PubMed 31421687 (cited by Women's Health and Genetics/Laboratory Corporation of America, LabCorp and Ambry Genetics); PubMed 28356264 (cited by Ambry Genetics).

NM_001458.5(FLNC):c.7123G>A (p.Val2375Ile)

Genes: FLNC (filamin C; plus strand), FLNC-AS1 (FLNC antisense RNA 1; minus strand). Cytogenetic location: 7q32.1.
Variant type: single nucleotide variant.
Coding change: c.7123G>A on transcript NM_001458.5 (MANE Select); coding-DNA position 7123, G replaced by A.
Protein change: p.Val2375Ile; replaces valine 2375 with isoleucine.
Molecular consequence: missense variant.
Genome position (GRCh38, 1-based): chr7:128,854,900, G>A. VCF-style: chr7-128854900-G-A. GRCh37 (hg19) VCF-style: chr7-128494954-G-A.
Other names: c.7024G>A, p.Val2342Ile (NM_001127487.2); short protein forms V2375I, V2342I.
Identifiers: ClinVar variation 571045 (VCV000571045.16), dbSNP rs768941858, ClinGen allele CA4476162.